The following is an entry in ClinVar:

ClinVar aggregate classification (germline): Pathogenic/Likely pathogenic. Review status: criteria provided, multiple submitters, no conflicts (2 of 4 stars). 2 submissions from 2 submitters: Pathogenic (1); Likely pathogenic (1). Last evaluated 2021-02-08.

Conditions:
Fanconi anemia complementation group I (FANCI). Also called: FANCI-Related Fanconi Anemia. Identifiers: Orphanet 84, MedGen C1836861, MONDO:0012186, OMIM 609053.

Submissions (2):

Revvity Omics, Revvity
Classification: Pathogenic for Fanconi anemia complementation group I. Last evaluated: 2021-02-08. Review status: criteria provided, single submitter. Criteria: ACMG Guidelines, 2015. Collection method: clinical testing. Allele origin: germline.

Baylor Genetics
Classification: Likely pathogenic for Fanconi anemia complementation group I. Last evaluated: 2020-05-05. Review status: criteria provided, single submitter. Criteria: ACMG Guidelines, 2015. Collection method: clinical testing. Allele origin: unknown. Affected: yes.
Comment: This variant was determined to be likely pathogenic according to ACMG Guidelines, 2015 [PMID:25741868].

NM_001113378.2(FANCI):c.2737C>T (p.Gln913Ter)

Gene: FANCI (FA complementation group I; plus strand). Cytogenetic location: 15q26.1.
Variant type: single nucleotide variant.
Coding change: c.2737C>T on transcript NM_001113378.2 (MANE Select); coding-DNA position 2737, C replaced by T.
Protein change: p.Gln913Ter; replaces glutamine 913 with a stop codon.
Molecular consequence: nonsense.
Genome position (GRCh38, 1-based): chr15:89,299,900, C>T. VCF-style: chr15-89299900-C-T. GRCh37 (hg19) VCF-style: chr15-89843131-C-T.
Other names: c.2458C>T, p.Gln820Ter (NM_001376910.1); c.2737C>T, p.Gln913Ter (NM_001376911.1); c.2557C>T, p.Gln853Ter (NM_018193.3); short protein forms Q853*, Q820*, Q913*.
Identifiers: ClinVar variation 1031096 (VCV001031096.5), dbSNP rs1359408831, ClinGen allele CA393736956.